The following is an entry in ClinVar:

NM_000168.6(GLI3):c.496C>T (p.Pro166Ser)

Gene: GLI3 (GLI family zinc finger 3; minus strand). Cytogenetic location: 7p14.1.
Variant type: single nucleotide variant.
Coding change: c.496C>T on transcript NM_000168.6 (MANE Select); coding-DNA position 496, C replaced by T.
Protein change: p.Pro166Ser; replaces proline 166 with serine.
Molecular consequence: missense variant.
Genome position (GRCh38, 1-based): chr7:42,048,674, G>A on the plus strand (C>T on the coding strand, the complement: GLI3 is on the minus strand). VCF-style: chr7-42048674-G-A. GRCh37 (hg19) VCF-style: chr7-42088273-G-A.
Other names: short protein forms P166S.
Identifiers: ClinVar variation 4992642 (VCV004992642.1).

ClinVar aggregate classification (germline): Uncertain significance (1 of 4 stars; one submission).

Conditions:
GLI3-related disorder. Also called: GLI3-related condition; GLI3-related disorders. Identifiers: MedGen CN239292.

Submission:

PreventionGenetics, part of Exact Sciences
Classification: Uncertain significance for GLI3-related condition. Last evaluated: 2025-04-21. Review status: criteria provided, single submitter. Criteria: ACMG Guidelines, 2015. Collection method: clinical testing. Allele origin: germline.
Comment: The GLI3 c.496C>T variant is predicted to result in the amino acid substitution p.Pro166Ser. To our knowledge, this variant has not been reported in the literature. This variant is reported in 0.0062% of alleles in individuals of African descent in gnomAD. At this time, the clinical significance of this variant is uncertain due to the absence of conclusive functional and genetic evidence.